The following is an entry in ClinVar:

ClinVar aggregate classification (germline): Conflicting classifications of pathogenicity. Review status: criteria provided, conflicting classifications (1 of 4 stars). 3 submissions from 3 submitters: Uncertain significance (2); Benign (1). Last evaluated 2026-01-13.

Conditions:
WNK1-related disorder. Also called: WNK1-related condition.
Inborn genetic diseases. Identifiers: MedGen C0950123, MeSH D030342.
Pseudohypoaldosteronism type 2C (PHA2C). Also called: Pseudohypoaldosteronism Type IIC. Identifiers: Orphanet 757, Orphanet 88940, MedGen C1840391, MONDO:0013778, OMIM 614492.

Allele frequency attached by ClinVar (database versions not stated): gnomAD exomes 0.00004 and 0.00008; ExAC 0.00010.
gnomAD v4.1: 53 of 1,614,036 alleles (0.0033%); highest among the groups gnomAD compares: East Asian, 0.11%; no homozygotes.

Submissions (3):

PreventionGenetics, part of Exact Sciences
Classification: Uncertain significance for WNK1-related condition. Last evaluated: 2026-01-13. Review status: criteria provided, single submitter. Criteria: ACMG Guidelines, 2015. Collection method: clinical testing. Allele origin: germline.
Comment: The WNK1 c.3698C>T variant is predicted to result in the amino acid substitution p.Ala1233Val. To our knowledge, this variant has not been reported in the literature. This variant is reported in 0.092% of alleles in individuals of East Asian descent in gnomAD. At this time, the clinical significance of this variant is uncertain due to the absence of conclusive functional and genetic evidence.

Ambry Genetics
Classification: Uncertain significance for Inborn genetic diseases. Last evaluated: 2020-06-30. Review status: criteria provided, single submitter. Criteria: Ambry Variant Classification Scheme 2023. Collection method: clinical testing. Allele origin: germline.
Comment: The p.A1485V variant (also known as c.4454C>T), located in coding exon 17 of the WNK1 gene, results from a C to T substitution at nucleotide position 4454. The alanine at codon 1485 is replaced by valine, an amino acid with similar properties. This amino acid position is poorly conserved in available vertebrate species. In addition, this alteration is predicted to be tolerated by in silico analysis. Since supporting evidence is limited at this time, the clinical significance of this alteration remains unclear.

Illumina Laboratory Services, Illumina
Classification: Benign for Pseudohypoaldosteronism type 2C. Last evaluated: 2018-01-13. Review status: criteria provided, single submitter. Criteria: ICSL Variant Classification Criteria 13 December 2019. Collection method: clinical testing. Allele origin: germline.
Comment: This variant was observed in the ICSL laboratory as part of a predisposition screen in an ostensibly healthy population. It had not been previously curated by ICSL or reported in the Human Gene Mutation Database (HGMD: prior to June 1st, 2018), and was therefore a candidate for classification through an automated scoring system. Utilizing variant allele frequency, disease prevalence and penetrance estimates, and inheritance mode, an automated score was calculated to assess if this variant is too frequent to cause the disease. Based on the score and internal cut-off values, a variant classified as benign is not then subjected to further curation. The score for this variant resulted in a classification of benign for this disease.

NM_018979.4(WNK1):c.3698C>T (p.Ala1233Val)

Gene: WNK1 (WNK lysine deficient protein kinase 1; plus strand). Cytogenetic location: 12p13.33.
Variant type: single nucleotide variant.
Coding change: c.3698C>T on transcript NM_018979.4 (MANE Select); coding-DNA position 3698, C replaced by T.
Protein change: p.Ala1233Val; replaces alanine 1233 with valine.
Molecular consequence: missense variant.
Genome position (GRCh38, 1-based): chr12:883,808, C>T. VCF-style: chr12-883808-C-T. GRCh37 (hg19) VCF-style: chr12-992974-C-T.
Other names: c.4478C>T, p.Ala1493Val (NM_001184985.2); c.2957C>T, p.Ala986Val (NM_014823.3); c.4454C>T, p.Ala1485Val (NM_213655.5); short protein forms A986V, A1233V, A1485V, A1493V.
Identifiers: ClinVar variation 882118 (VCV000882118.7), dbSNP rs772922134, ClinGen allele CA6382827.